The following is an entry in ClinVar:

NM_015100.4(POGZ):c.2924_2925del (p.Val975fs)

Gene: POGZ (pogo transposable element derived with ZNF domain; minus strand). Cytogenetic location: 1q21.3.
Variant type: Microsatellite.
Coding change: c.2924_2925del on transcript NM_015100.4 (MANE Select); coding-DNA positions 2924 to 2925, 2 bases deleted (TG; older notation c.2924_2925delTG).
Protein change: p.Val975fs; shifts the reading frame from valine 975.
Molecular consequence: frameshift variant.
Genome position (GRCh38, 1-based): chr1:151,406,110-151,406,111, CA deleted on the plus strand (TG on the coding strand, the reverse complement: POGZ is on the minus strand); deleting any 2 consecutive bases within chr1:151,406,110-151,406,113 gives the same sequence; the c. name uses the placement nearest the transcript's 3' end. VCF-style (leftmost placement, unchanged base first): chr1-151406109-TCA-T. GRCh37 (hg19) VCF-style: chr1-151378585-TCA-T.
Other names: c.2897_2898del, p.Val966fs (NM_001194937.2); c.2738_2739del, p.Val913fs (NM_001194938.2); c.2639_2640del, p.Val880fs (NM_145796.4); c.2765_2766del, p.Val922fs (NM_207171.2); c.2924_2925delTG (NM_015100.3); short protein forms V880fs, V922fs, V966fs, V913fs, V975fs.
Identifiers: ClinVar variation 419828 (VCV000419828.3), dbSNP rs1064794134, ClinGen allele CA16616969.

ClinVar aggregate classification (germline): Pathogenic (1 of 4 stars; one submission).

Submission:

GeneDx
Classification: Pathogenic. Last evaluated: 2019-05-24. Review status: criteria provided, single submitter. Criteria: GeneDx Variant Classification Process June 2021. Collection method: clinical testing. Allele origin: germline. Affected: yes.
Comment: Frameshift variant in the C-terminus predicted to result in protein truncation, as the last 436 amino acids are lost and replaced with 18 incorrect amino acids; Not observed in large population cohorts (Lek et al., 2016); Has not been previously published as pathogenic or benign to our knowledge; This variant is associated with the following publications: (PMID: 31782611)